The following is an entry in ClinVar:

NM_206933.4(USH2A):c.13370C>G (p.Ser4457Ter)

Gene: USH2A (usherin; minus strand). Cytogenetic location: 1q41.
Variant type: single nucleotide variant.
Coding change: c.13370C>G on transcript NM_206933.4 (MANE Select); coding-DNA position 13370, C replaced by G.
Protein change: p.Ser4457Ter; replaces serine 4457 with a stop codon.
Molecular consequence: nonsense.
Genome position (GRCh38, 1-based): chr1:215,674,541, G>C on the plus strand (C>G on the coding strand, the complement: USH2A is on the minus strand). VCF-style: chr1-215674541-G-C. GRCh37 (hg19) VCF-style: chr1-215847883-G-C.
Other names: short protein forms S4457*.
Identifiers: ClinVar variation 1451253 (VCV001451253.6), dbSNP rs2102665356, ClinGen allele CA344845522.
Genomic context (GRCh38, chr1:215,674,541, plus strand): 5'-TAACTTCTGATCTGGCCATTTGGGTTTCTTGGAGGTTTCCAGGTGATTTCTATTGATTCT[G>C]AGCCTGTGACTTGCAATGTTGGAGAGTCCATGTTCTCTGGCAGGGCCTCCATTGTCCAGG-3'

ClinVar aggregate classification (germline): Pathogenic (1 of 4 stars; one submission).

Allele frequency attached by ClinVar (database versions not stated): gnomAD exomes below 0.00001.
gnomAD v4.1: 1 of 1,614,088 alleles (0.000062%); highest among the groups gnomAD compares: Non-Finnish European, 0.000085%; no homozygotes.

Submission:

Labcorp Genetics (formerly Invitae), Labcorp
Classification: Pathogenic. Last evaluated: 2021-04-18. Review status: criteria provided, single submitter. Criteria: Invitae Variant Classification Sherloc (09022015). Collection method: clinical testing. Allele origin: germline.
Comment: For these reasons, this variant has been classified as Pathogenic. This variant has not been reported in the literature in individuals with USH2A-related conditions. This variant is not present in population databases (ExAC no frequency). This sequence change creates a premature translational stop signal (p.Ser4457*) in the USH2A gene. It is expected to result in an absent or disrupted protein product. Loss-of-function variants in USH2A are known to be pathogenic (PMID: 10729113, 10909849, 20507924, 25649381).

Literature cited by the submitters: PubMed 10729113; PubMed 10909849; PubMed 20507924; PubMed 25649381.